The following is an entry in ClinVar:

NM_006949.4(STXBP2):c.1569G>A (p.Lys523=)

Gene: STXBP2 (syntaxin binding protein 2; plus strand). Cytogenetic location: 19p13.2.
Variant type: single nucleotide variant.
Coding change: c.1569G>A on transcript NM_006949.4 (MANE Select); coding-DNA position 1569, G replaced by A.
Protein change: p.Lys523=; no amino-acid change (lysine 523 retained).
Molecular consequence: synonymous variant. On other transcripts: non-coding transcript variant (1).
Genome position (GRCh38, 1-based): chr19:7,647,384, G>A. VCF-style: chr19-7647384-G-A. GRCh37 (hg19) VCF-style: chr19-7712270-G-A.
Other names: p.Lys523=; c.1560G>A, p.Lys520= (NM_001127396.3); c.1602G>A, p.Lys534= (NM_001272034.2); c.1569G>A (NM_006949.2).
Identifiers: ClinVar variation 287855 (VCV000287855.29), dbSNP rs148868283, ClinGen allele CA9144260.

ClinVar aggregate classification (germline): Conflicting classifications of pathogenicity. Review status: criteria provided, conflicting classifications (1 of 4 stars). 10 submissions from 10 submitters: Uncertain significance (3); Likely benign (5). 2 of the submissions do not count toward it. Last evaluated 2026-02-10.

Conditions:
STXBP2-related disorder. Also called: STXBP2-related condition.
Familial hemophagocytic lymphohistiocytosis 5. Also called: STXBP2-Related Familial Hemophagocytic Lymphohistiocytosis (STXBP2-fHLH). Identifiers: Orphanet 540, MedGen C2751293, MONDO:0013135, OMIM 613101.
Autoinflammatory syndrome. Identifiers: Orphanet 93665, MedGen C3890737, MONDO:0019751.
Inborn genetic diseases. Identifiers: MedGen C0950123, MeSH D030342.

Allele frequency attached by ClinVar (database versions not stated): gnomAD 0.00054; TOPMed 0.00058; gnomAD exomes 0.00059 and 0.00067; ExAC 0.00067; ESP Exome Variant Server 0.00100.
gnomAD v4.1: 1,063 of 1,613,416 alleles (0.066%); highest among the groups gnomAD compares: Middle Eastern, 0.94%; 1 homozygote.

Submissions (10):

Women's Health and Genetics/Laboratory Corporation of America, LabCorp
Classification: Likely benign. Last evaluated: 2026-02-10. Review status: criteria provided, single submitter. Criteria: LabCorp Variant Classification Summary - May 2015. Collection method: clinical testing. Allele origin: germline.

Labcorp Genetics (formerly Invitae), Labcorp
Classification: Likely benign for Familial hemophagocytic lymphohistiocytosis 5. Last evaluated: 2026-02-04. Review status: criteria provided, single submitter. Criteria: Invitae Variant Classification Sherloc (09022015). Collection method: clinical testing. Allele origin: germline.

Mayo Clinic Laboratories, Mayo Clinic
Classification: Likely benign. Last evaluated: 2025-03-31. Review status: criteria provided, single submitter. Criteria: ACMG Guidelines, 2015. Collection method: clinical testing. Allele origin: germline. Observed: 4 variant alleles.
Comment: BS1, BP4, BP7

Blueprint Genetics
Classification: Likely benign. Last evaluated: 2024-11-21. Review status: criteria provided, single submitter. Criteria: ACMG Guidelines, 2015. Collection method: clinical testing. Allele origin: germline.

Ambry Genetics
Classification: Likely benign for Inborn genetic diseases. Last evaluated: 2023-11-09. Review status: criteria provided, single submitter. Criteria: Ambry Variant Classification Scheme 2023. Collection method: clinical testing. Allele origin: germline.

Illumina Laboratory Services, Illumina
Classification: Uncertain significance for Familial hemophagocytic lymphohistiocytosis 5. Last evaluated: 2018-01-12. Review status: criteria provided, single submitter. Criteria: ICSL Variant Classification Criteria 13 December 2019. Collection method: clinical testing. Allele origin: germline.

Genome Diagnostics Laboratory, The Hospital for Sick Children
Classification: Uncertain significance for Autoinflammatory syndrome. Last evaluated: 2017-10-02. Review status: criteria provided, single submitter. Criteria: ACMG Guidelines, 2015. Collection method: clinical testing. Allele origin: germline. Affected: yes.

Eurofins Ntd Llc (ga)
Classification: Uncertain significance. Last evaluated: 2016-05-31. Review status: criteria provided, single submitter. Criteria: EGL Classification Definitions 2015. Collection method: clinical testing. Allele origin: germline. Observed: 1 variant allele, 1 heterozygote.

PreventionGenetics, part of Exact Sciences
Classification: Likely benign for STXBP2-related condition. Last evaluated: 2024-04-13. Review status: no assertion criteria provided. Collection method: clinical testing. Allele origin: germline. Not counted in ClinVar's aggregate classification.
Comment: This variant is classified as likely benign based on ACMG/AMP sequence variant interpretation guidelines (Richards et al. 2015 PMID: 25741868, with internal and published modifications).

Genetic Services Laboratory, University of Chicago
Classification: Likely benign. Last evaluated: 2022-07-19. Review status: no assertion criteria provided. Collection method: clinical testing. Allele origin: germline. Affected: no. Not counted in ClinVar's aggregate classification.